The following is an entry in ClinVar:

ClinVar aggregate classification (germline): Pathogenic. Review status: criteria provided, multiple submitters, no conflicts (2 of 4 stars). 3 submissions from 3 submitters: Pathogenic (3). Last evaluated 2023-04-11.

Conditions:
Intellectual developmental disorder, autosomal dominant 52. Also called: Intellectual disability, autosomal dominant 52; Mental retardation, autosomal dominant 52. Identifiers: MedGen C4540478, MONDO:0030918, OMIM 617796.
Inborn genetic diseases. Identifiers: MedGen C0950123, MeSH D030342.

Submissions (3):

Genome-Nilou Lab
Classification: Pathogenic for Intellectual developmental disorder, autosomal dominant 52. Last evaluated: 2023-04-11. Review status: criteria provided, single submitter. Criteria: ACMG Guidelines, 2015. Collection method: clinical testing. Allele origin: germline. Affected: no.

Ambry Genetics
Classification: Pathogenic for Inborn genetic diseases. Last evaluated: 2022-09-20. Review status: criteria provided, single submitter. Criteria: Ambry Variant Classification Scheme 2023. Collection method: clinical testing. Allele origin: germline.
Comment: The c.7603C>T (p.R2535*) alteration, located in exon 20 (coding exon 19) of the ASH1L gene, consists of a C to T substitution at nucleotide position 7603. This changes the amino acid from a arginine (R) to a stop codon at amino acid position 2535. This alteration is expected to result in loss of function by premature protein truncation or nonsense-mediated mRNA decay. This variant was not reported in population-based cohorts in the Genome Aggregation Database (gnomAD). Based on the available evidence, this alteration is classified as pathogenic.

GeneDx
Classification: Pathogenic. Last evaluated: 2022-09-20. Review status: criteria provided, single submitter. Criteria: GeneDx Variant Classification Process June 2021. Collection method: clinical testing. Allele origin: germline. Affected: yes.
Comment: Nonsense variant predicted to result in protein truncation or nonsense mediated decay in a gene for which loss-of-function is a known mechanism of disease; Not observed at significant frequency in large population cohorts (gnomAD); Has not been previously published as pathogenic or benign to our knowledge

NM_018489.3(ASH1L):c.7603C>T (p.Arg2535Ter)

Gene: ASH1L (ASH1 like histone lysine methyltransferase; minus strand). Cytogenetic location: 1q22.
Variant type: single nucleotide variant.
Coding change: c.7603C>T on transcript NM_018489.3 (MANE Select); coding-DNA position 7603, C replaced by T.
Protein change: p.Arg2535Ter; replaces arginine 2535 with a stop codon.
Molecular consequence: nonsense.
Genome position (GRCh38, 1-based): chr1:155,347,856, G>A on the plus strand (C>T on the coding strand, the complement: ASH1L is on the minus strand). VCF-style: chr1-155347856-G-A. GRCh37 (hg19) VCF-style: chr1-155317647-G-A.
Other names: c.7618C>T, p.Arg2540Ter (NM_001366177.2); short protein forms R2535*, R2540*.
Identifiers: ClinVar variation 1706432 (VCV001706432.6), dbSNP rs775570091, ClinGen allele CA30903238.